The following is an entry in ClinVar:

NM_001292063.2(OTOG):c.3735A>C (p.Leu1245=)

Gene: OTOG (otogelin; plus strand). Cytogenetic location: 11p15.1.
Variant type: single nucleotide variant.
Coding change: c.3735A>C on transcript NM_001292063.2 (MANE Select); coding-DNA position 3735, A replaced by C.
Protein change: p.Leu1245=; no amino-acid change (leucine 1245 retained).
Molecular consequence: synonymous variant.
Genome position (GRCh38, 1-based): chr11:17,602,235, A>C. VCF-style: chr11-17602235-A-C. GRCh37 (hg19) VCF-style: chr11-17623782-A-C.
Other names: c.3771A>C, p.Leu1257= (NM_001277269.2).
Identifiers: ClinVar variation 1207463 (VCV001207463.5), dbSNP rs1030164887, ClinGen allele CA218465432.
Genomic context (GRCh38, chr11:17,602,235, plus strand): 5'-GGGGCCAGGTTGCTGATGGGGCCTCTTCTCTCCAGTGCTAGGTAAGGGCCCCTATCAGCT[A>C]TCCAGCTTGGCAGCCGGTGGTGCTCTGGTGGGCATGAAGGCGGTGGGCGATGACATAGTC-3'
Protein context (NP_001278992.1, residues 1235-1255): NKVLGKGPYQ[Leu1245=]SSLAAGGALV

ClinVar aggregate classification (germline): Likely benign. Review status: criteria provided, single submitter (1 of 4 stars). 2 submissions from 2 submitters: Likely benign (1). 1 of the submissions does not count toward it. Last evaluated 2020-12-02.

Conditions:
OTOG-related disorder. Also called: OTOG-related condition.

Allele frequency attached by ClinVar (database versions not stated): gnomAD exomes below 0.00001 and 0.00001; gnomAD 0.00001; TOPMed 0.00001.
gnomAD v4.1: 2 of 1,550,398 alleles (0.00013%); highest among the groups gnomAD compares: Admixed American, 0.0039%; no homozygotes.

Submissions (2):

GeneDx
Classification: Likely benign. Last evaluated: 2020-12-02. Review status: criteria provided, single submitter. Criteria: GeneDx Variant Classification Process June 2021. Collection method: clinical testing. Allele origin: germline. Affected: yes.

PreventionGenetics, part of Exact Sciences
Classification: Likely benign for OTOG-related condition. Last evaluated: 2019-05-08. Review status: no assertion criteria provided. Collection method: clinical testing. Allele origin: germline. Not counted in ClinVar's aggregate classification.
Comment: This variant is classified as likely benign based on ACMG/AMP sequence variant interpretation guidelines (Richards et al. 2015 PMID: 25741868, with internal and published modifications).